The following is an entry in ClinVar:

ClinVar aggregate classification (germline): Conflicting classifications of pathogenicity. Review status: criteria provided, conflicting classifications (1 of 4 stars). 3 submissions from 3 submitters: Likely pathogenic (1); Uncertain significance (2). Last evaluated 2025-01-22.

Conditions:
Leber congenital amaurosis 19. Identifiers: MedGen C5193139, MONDO:0032794, OMIM 618513.
Retinal dystrophy. Also called: Inherited retinal dystrophy. Identifiers: Orphanet 71862, MedGen C0854723, MeSH D058499, MONDO:0019118, HP:0000556.

Submissions (3):

First Genomix Gene Laboratory, Genetic Diagnostics Department
Classification: Likely pathogenic for Leber congenital amaurosis 19. Last evaluated: 2025-01-22. Review status: criteria provided, single submitter. Criteria: ACMG Guidelines, 2015. Collection method: clinical testing. Allele origin: germline. Inheritance: Autosomal recessive inheritance. Affected: no. Observed: 1 variant allele.

Department of Pathology and Laboratory Medicine, Sinai Health System
Classification: Uncertain significance for Leber congenital amaurosis 19. Last evaluated: 2022-09-15. Review status: criteria provided, single submitter. Criteria: ACMG Guidelines, 2015. Collection method: research. Allele origin: germline.

Institute of Human Genetics, Univ. Regensburg, Univ. Regensburg
Classification: Uncertain significance for Retinal dystrophy. Last evaluated: 2022-01-01. Review status: criteria provided, single submitter. Criteria: ACMG Guidelines, 2015. Collection method: clinical testing. Allele origin: germline. Affected: yes.

Literature cited by the submitters: PubMed 31345219 (cited by Institute of Human Genetics, Univ. Regensburg, Univ. Regensburg).

NM_001346022.3(USP45):c.658G>T (p.Glu220Ter)

Gene: USP45 (ubiquitin specific peptidase 45; minus strand). Cytogenetic location: 6q16.2.
Variant type: single nucleotide variant.
Coding change: c.658G>T on transcript NM_001346022.3 (MANE Select); coding-DNA position 658, G replaced by T.
Protein change: p.Glu220Ter; replaces glutamic acid 220 with a stop codon.
Molecular consequence: nonsense. On other transcripts: 5 prime UTR variant (3), non-coding transcript variant (5).
Genome position (GRCh38, 1-based): chr6:99,488,256, C>A on the plus strand (G>T on the coding strand, the complement: USP45 is on the minus strand). VCF-style: chr6-99488256-C-A. GRCh37 (hg19) VCF-style: chr6-99936132-C-A.
Other names: c.658G>T, p.Glu220Ter (NM_001346026.3, NM_001346030.2, NM_001346033.2 and 4 more transcripts); c.-468G>T (NM_001346027.3, NM_001346029.3); c.-331G>T (NM_001346028.3); c.655G>T, p.Glu219Ter (NM_001346023.3, NM_001346025.3); short protein forms E219*, E220*.
Identifiers: ClinVar variation 3249131 (VCV003249131.3).